The following is an entry in ClinVar:

ClinVar aggregate classification (germline): Uncertain significance (1 of 4 stars; one submission).

Submission:

Labcorp Genetics (formerly Invitae), Labcorp
Classification: Uncertain significance. Last evaluated: 2024-06-03. Review status: criteria provided, single submitter. Criteria: Invitae Variant Classification Sherloc (09022015). Collection method: clinical testing. Allele origin: germline.
Comment: This variant, c.2950_2952del, results in the deletion of 1 amino acid(s) of the AP3B2 protein (p.Lys984del), but otherwise preserves the integrity of the reading frame. This variant is present in population databases (rs779821021, gnomAD 0.0009%). This variant has not been reported in the literature in individuals affected with AP3B2-related conditions. Experimental studies and prediction algorithms are not available or were not evaluated, and the functional significance of this variant is currently unknown. In summary, the available evidence is currently insufficient to determine the role of this variant in disease. Therefore, it has been classified as a Variant of Uncertain Significance.

NM_001278512.2(AP3B2):c.3004AAG[1] (p.Lys1003del)

Genes: CPEB1-AS1 (CPEB1 antisense RNA 1; plus strand), AP3B2 (adaptor related protein complex 3 subunit beta 2; minus strand). Cytogenetic location: 15q25.2.
Variant type: Microsatellite.
Coding change: c.3004AAG[1] on transcript NM_001278512.2 (MANE Select); one copy of the 3-base unit AAG starting at c.3004; the reference has two copies in a row; one copy, 3 bases deleted.
Protein change: p.Lys1003del; deletes lysine 1003.
Molecular consequence: inframe deletion.
Genome position (GRCh38, 1-based): chr15:82,661,832-82,661,834, CTT deleted on the plus strand (AAG on the coding strand, the reverse complement: AP3B2 is on the minus strand); deleting any 3 consecutive bases within chr15:82,661,832-82,661,837 gives the same sequence; the position shown is the placement nearest the transcript's 3' end. VCF-style (leftmost placement, unchanged base first): chr15-82661831-CCTT-C. GRCh37 (hg19) VCF-style: chr15-83330583-CCTT-C.
Other names: c.2851AAG[1], p.Lys952del (NM_001278511.2); c.136AAG[1], p.Lys47del (NM_001348441.2); c.2947AAG[1], p.Lys984del (NM_004644.5); short protein forms K952del, K984del, K1003del, K47del.
Identifiers: ClinVar variation 1416662 (VCV001416662.8), dbSNP rs779821021, ClinGen allele CA7699730.